The following is an entry in ClinVar:

ClinVar aggregate classification (germline): Benign (0 of 4 stars; one submission).

Conditions:
CARD10-related disorder. Also called: CARD10-related condition.

Allele frequency attached by ClinVar (database versions not stated): 1000 Genomes Project 0.02097; 1000 Genomes Project 30x 0.02186; ESP Exome Variant Server 0.02919; gnomAD 0.03529; TOPMed 0.03672; ExAC 0.06841.
gnomAD v4.1: 71,173 of 1,550,492 alleles (4.6%); highest among the groups gnomAD compares: Middle Eastern, 9.7%; 1,897 homozygotes.

Submission:

PreventionGenetics, part of Exact Sciences
Classification: Benign for CARD10-related condition. Last evaluated: 2019-02-28. Review status: no assertion criteria provided. Collection method: clinical testing. Allele origin: germline.
Comment: This variant is classified as benign based on ACMG/AMP sequence variant interpretation guidelines (Richards et al. 2015 PMID: 25741868, with internal and published modifications).

NM_014550.4(CARD10):c.910-6C>T

Gene: CARD10 (caspase recruitment domain family member 10; minus strand). Cytogenetic location: 22q13.1.
Variant type: single nucleotide variant.
Coding change: c.910-6C>T on transcript NM_014550.4 (MANE Select); 6 bases into the intron before coding-DNA position 910, C replaced by T.
Molecular consequence: intron variant.
Genome position (GRCh38, 1-based): chr22:37,508,688, G>A on the plus strand (C>T on the coding strand, the complement: CARD10 is on the minus strand). VCF-style: chr22-37508688-G-A. GRCh37 (hg19) VCF-style: chr22-37904695-G-A.
Identifiers: ClinVar variation 3056222 (VCV003056222.2), dbSNP rs56014332, ClinGen allele CA10220021.